The following is an entry in ClinVar:

ClinVar aggregate classification (germline): Uncertain significance (1 of 4 stars; one submission).

Conditions:
Catecholaminergic polymorphic ventricular tachycardia 1. Also called: VENTRICULAR TACHYCARDIA, CATECHOLAMINERGIC POLYMORPHIC, 1, WITH OR WITHOUT ATRIAL DYSFUNCTION AND/OR DILATED CARDIOMYOPATHY; RYR2-Related Catecholaminergic Polymorphic Ventricular Tachycardia; VENTRICULAR TACHYCARDIA, STRESS-INDUCED POLYMORPHIC 1. Identifiers: Orphanet 3286, MedGen C1631597, MONDO:0011484, OMIM 604772.

Submission:

Labcorp Genetics (formerly Invitae), Labcorp
Classification: Uncertain significance for Catecholaminergic polymorphic ventricular tachycardia 1. Last evaluated: 2024-10-09. Review status: criteria provided, single submitter. Criteria: Invitae Variant Classification Sherloc (09022015). Collection method: clinical testing. Allele origin: germline.
Comment: This sequence change replaces isoleucine, which is neutral and non-polar, with leucine, which is neutral and non-polar, at codon 229 of the RYR2 protein (p.Ile229Leu). This variant is present in population databases (no rsID available, gnomAD 0.0009%). This variant has not been reported in the literature in individuals affected with RYR2-related conditions. ClinVar contains an entry for this variant (Variation ID: 2076511). Invitae Evidence Modeling of protein sequence and biophysical properties (such as structural, functional, and spatial information, amino acid conservation, physicochemical variation, residue mobility, and thermodynamic stability) indicates that this missense variant is not expected to disrupt RYR2 protein function with a negative predictive value of 95%. In summary, the available evidence is currently insufficient to determine the role of this variant in disease. Therefore, it has been classified as a Variant of Uncertain Significance.

NM_001035.3(RYR2):c.685A>C (p.Ile229Leu)

Gene: RYR2 (ryanodine receptor 2; plus strand). Cytogenetic location: 1q43.
Variant type: single nucleotide variant.
Coding change: c.685A>C on transcript NM_001035.3 (MANE Select); coding-DNA position 685, A replaced by C.
Protein change: p.Ile229Leu; replaces isoleucine 229 with leucine.
Molecular consequence: missense variant.
Genome position (GRCh38, 1-based): chr1:237,388,095, A>C. VCF-style: chr1-237388095-A-C. GRCh37 (hg19) VCF-style: chr1-237551395-A-C.
Other names: short protein forms I229L.
Identifiers: ClinVar variation 2076511 (VCV002076511.3), dbSNP rs368653489, ClinGen allele CA345378136.